The following is an entry in ClinVar:

NM_006424.3(SLC34A2):c.1207A>G (p.Ile403Val)

Gene: SLC34A2 (solute carrier family 34 member 2; plus strand). Cytogenetic location: 4p15.2.
Variant type: single nucleotide variant.
Coding change: c.1207A>G on transcript NM_006424.3 (MANE Select); coding-DNA position 1207, A replaced by G.
Protein change: p.Ile403Val; replaces isoleucine 403 with valine.
Molecular consequence: missense variant.
Genome position (GRCh38, 1-based): chr4:25,673,245, A>G. VCF-style: chr4-25673245-A-G. GRCh37 (hg19) VCF-style: chr4-25674867-A-G.
Other names: c.1204A>G, p.Ile402Val (NM_001177998.2, NM_001177999.2); short protein forms I402V, I403V.
Identifiers: ClinVar variation 1712143 (VCV001712143.8), dbSNP rs141905062, ClinGen allele CA2879698.

ClinVar aggregate classification (germline): Conflicting classifications of pathogenicity. Review status: criteria provided, conflicting classifications (1 of 4 stars). 4 submissions from 4 submitters: Uncertain significance (3); Likely benign (1). Last evaluated 2026-08-25.

Conditions:
PULMONARY ALVEOLAR MICROLITHIASIS. Identifiers: Orphanet 60025, MedGen C0155912, MONDO:0009928, OMIM 265100.
SLC34A2-related disorder. Also called: SLC34A2-related condition.

Allele frequency attached by ClinVar (database versions not stated): ESP Exome Variant Server 0.00192; 1000 Genomes Project 0.00060; 1000 Genomes Project 30x 0.00062; ExAC 0.00094; gnomAD 0.00118; TOPMed 0.00132; gnomAD exomes 0.00174.
gnomAD v4.1: 2,724 of 1,612,730 alleles (0.17%); highest among the groups gnomAD compares: Non-Finnish European, 0.21%; 3 homozygotes.

Submissions (4):

GeneDx
Classification: Uncertain significance. Last evaluated: 2026-08-25. Review status: criteria provided, single submitter. Criteria: GeneDx Variant Classification Process June 2021. Collection method: clinical testing. Allele origin: germline.
Comment: In silico analysis supports that this missense variant does not alter protein structure/function; Has not been previously published as pathogenic or benign to our knowledge

PreventionGenetics, part of Exact Sciences
Classification: Likely benign for SLC34A2-related condition. Last evaluated: 2026-01-15. Review status: criteria provided, single submitter. Criteria: ACMG Guidelines, 2015. Collection method: clinical testing. Allele origin: germline.
Comment: This variant is classified as likely benign based on ACMG/AMP sequence variant interpretation guidelines (Richards et al. 2015 PMID: 25741868, with internal and published modifications).

Labcorp Genetics (formerly Invitae), Labcorp
Classification: Uncertain significance. Last evaluated: 2025-01-11. Review status: criteria provided, single submitter. Criteria: Invitae Variant Classification Sherloc (09022015). Collection method: clinical testing. Allele origin: germline.
Comment: This sequence change replaces isoleucine, which is neutral and non-polar, with valine, which is neutral and non-polar, at codon 403 of the SLC34A2 protein (p.Ile403Val). This variant is present in population databases (rs141905062, gnomAD 0.2%), and has an allele count higher than expected for a pathogenic variant. This variant has not been reported in the literature in individuals affected with SLC34A2-related conditions. ClinVar contains an entry for this variant (Variation ID: 1712143). Invitae Evidence Modeling of protein sequence and biophysical properties (such as structural, functional, and spatial information, amino acid conservation, physicochemical variation, residue mobility, and thermodynamic stability) indicates that this missense variant is not expected to disrupt SLC34A2 protein function with a negative predictive value of 80%. In summary, the available evidence is currently insufficient to determine the role of this variant in disease. Therefore, it has been classified as a Variant of Uncertain Significance.

Department of Pathology and Laboratory Medicine, Sinai Health System
Classification: Uncertain significance for PULMONARY ALVEOLAR MICROLITHIASIS. Last evaluated: 2021-07-30. Review status: criteria provided, single submitter. Criteria: ACMG Guidelines, 2015. Collection method: research. Allele origin: germline.